The following is an entry in ClinVar:

NM_014254.3(RXYLT1):c.347T>C (p.Ile116Thr)

Gene: RXYLT1 (ribitol xylosyltransferase 1; plus strand). Cytogenetic location: 12q14.2.
Variant type: single nucleotide variant.
Coding change: c.347T>C on transcript NM_014254.3 (MANE Select); coding-DNA position 347, T replaced by C.
Protein change: p.Ile116Thr; replaces isoleucine 116 with threonine.
Molecular consequence: missense variant. On other transcripts: 5 prime UTR variant (1).
Genome position (GRCh38, 1-based): chr12:63,784,991, T>C. VCF-style: chr12-63784991-T-C. GRCh37 (hg19) VCF-style: chr12-64178771-T-C.
Other names: c.-434T>C (NM_001278237.2); c.347T>C (NM_014254.1); short protein forms I116T.
Identifiers: ClinVar variation 1055906 (VCV001055906.7), dbSNP rs200213991, ClinGen allele CA6666078.

ClinVar aggregate classification (germline): Uncertain significance. Review status: criteria provided, multiple submitters, no conflicts (2 of 4 stars). 2 submissions from 2 submitters: Uncertain significance (2). Last evaluated 2022-02-24.

Conditions:
Inborn genetic diseases. Identifiers: MedGen C0950123, MeSH D030342.

Allele frequency attached by ClinVar (database versions not stated): gnomAD 0.00001; gnomAD exomes 0.00001 and 0.00003; TOPMed 0.00002; ExAC 0.00003; 1000 Genomes Project 30x 0.00016; 1000 Genomes Project 0.00020.
gnomAD v4.1: 22 of 1,613,804 alleles (0.0014%); highest among the groups gnomAD compares: Admixed American, 0.0017%; no homozygotes.

Submissions (2):

Labcorp Genetics (formerly Invitae), Labcorp
Classification: Uncertain significance. Last evaluated: 2022-02-24. Review status: criteria provided, single submitter. Criteria: Invitae Variant Classification Sherloc (09022015). Collection method: clinical testing. Allele origin: germline.
Comment: This sequence change replaces isoleucine, which is neutral and non-polar, with threonine, which is neutral and polar, at codon 116 of the RXYLT1 protein (p.Ile116Thr). This variant is present in population databases (rs200213991, gnomAD 0.007%). This variant has not been reported in the literature in individuals affected with RXYLT1-related conditions. ClinVar contains an entry for this variant (Variation ID: 1055906). Algorithms developed to predict the effect of missense changes on protein structure and function (SIFT, PolyPhen-2, Align-GVGD) all suggest that this variant is likely to be disruptive. In summary, the available evidence is currently insufficient to determine the role of this variant in disease. Therefore, it has been classified as a Variant of Uncertain Significance.

Ambry Genetics
Classification: Uncertain significance for Inborn genetic diseases. Last evaluated: 2021-10-14. Review status: criteria provided, single submitter. Criteria: Ambry Variant Classification Scheme 2023. Collection method: clinical testing. Allele origin: germline.